The following is an entry in ClinVar:

NM_003998.4(NFKB1):c.88G>A (p.Val30Ile)

Gene: NFKB1 (nuclear factor kappa B subunit 1; plus strand). Cytogenetic location: 4q24.
Variant type: single nucleotide variant.
Coding change: c.88G>A on transcript NM_003998.4 (MANE Select); coding-DNA position 88, G replaced by A.
Protein change: p.Val30Ile; replaces valine 30 with isoleucine.
Molecular consequence: missense variant.
Genome position (GRCh38, 1-based): chr4:102,529,884, G>A. VCF-style: chr4-102529884-G-A. GRCh37 (hg19) VCF-style: chr4-103451041-G-A.
Other names: c.88G>A, p.Val30Ile (NM_001165412.2, NM_001319226.2, NM_001382625.1 and 2 more transcripts); c.49G>A, p.Val17Ile (NM_001382628.1); short protein forms V17I, V30I.
Identifiers: ClinVar variation 1958631 (VCV001958631.5), dbSNP rs899498254, ClinGen allele CA103123590.

ClinVar aggregate classification (germline): Uncertain significance (1 of 4 stars; one submission).

Allele frequency attached by ClinVar (database versions not stated): gnomAD exomes below 0.00001; gnomAD 0.00003; TOPMed 0.00004.
gnomAD v4.1: 10 of 1,610,592 alleles (0.00062%); highest among the groups gnomAD compares: African/African-American, 0.0094%; no homozygotes.

Submission:

Labcorp Genetics (formerly Invitae), Labcorp
Classification: Uncertain significance. Last evaluated: 2023-04-09. Review status: criteria provided, single submitter. Criteria: Invitae Variant Classification Sherloc (09022015). Collection method: clinical testing. Allele origin: germline.
Comment: In summary, the available evidence is currently insufficient to determine the role of this variant in disease. Therefore, it has been classified as a Variant of Uncertain Significance. Algorithms developed to predict the effect of missense changes on protein structure and function output the following: SIFT: "Not Available"; PolyPhen-2: "Benign"; Align-GVGD: "Not Available". The isoleucine amino acid residue is found in multiple mammalian species, which suggests that this missense change does not adversely affect protein function. ClinVar contains an entry for this variant (Variation ID: 1958631). This variant has not been reported in the literature in individuals affected with NFKB1-related conditions. This variant is present in population databases (no rsID available, gnomAD 0.008%). This sequence change replaces valine, which is neutral and non-polar, with isoleucine, which is neutral and non-polar, at codon 30 of the NFKB1 protein (p.Val30Ile).